The following is an entry in ClinVar:

ClinVar aggregate classification (germline): Uncertain significance (1 of 4 stars; one submission).

Submission:

Labcorp Genetics (formerly Invitae), Labcorp
Classification: Uncertain significance. Last evaluated: 2025-07-09. Review status: criteria provided, single submitter. Criteria: Invitae Variant Classification Sherloc (09022015). Collection method: clinical testing. Allele origin: germline.
Comment: This sequence change replaces proline, which is neutral and non-polar, with leucine, which is neutral and non-polar, at codon 376 of the TEK protein (p.Pro376Leu). This variant is not present in population databases (gnomAD no frequency). This variant has not been reported in the literature in individuals affected with TEK-related conditions. Invitae Evidence Modeling of protein sequence and biophysical properties (such as structural, functional, and spatial information, amino acid conservation, physicochemical variation, residue mobility, and thermodynamic stability) has been performed for this missense variant. However, the output from this modeling did not meet the statistical confidence thresholds required to predict the impact of this variant on TEK protein function. In summary, the available evidence is currently insufficient to determine the role of this variant in disease. Therefore, it has been classified as a Variant of Uncertain Significance.

NM_000459.5(TEK):c.1127C>T (p.Pro376Leu)

Gene: TEK (TEK receptor tyrosine kinase; plus strand). Cytogenetic location: 9p21.2.
Variant type: single nucleotide variant.
Coding change: c.1127C>T on transcript NM_000459.5 (MANE Select); coding-DNA position 1127, C replaced by T.
Protein change: p.Pro376Leu; replaces proline 376 with leucine.
Molecular consequence: missense variant.
Genome position (GRCh38, 1-based): chr9:27,183,555, C>T. VCF-style: chr9-27183555-C-T. GRCh37 (hg19) VCF-style: chr9-27183553-C-T.
Other names: c.998C>T, p.Pro333Leu (NM_001290077.2, NM_001375476.1); c.686C>T, p.Pro229Leu (NM_001290078.2); c.1127C>T, p.Pro376Leu (NM_001375475.1); short protein forms P229L, P333L, P376L.
Identifiers: ClinVar variation 4765350 (VCV004765350.1).